The following is an entry in ClinVar:

ClinVar aggregate classification (germline): Uncertain significance (1 of 4 stars; one submission).

gnomAD v4.1: 2 of 1,613,930 alleles (0.00012%); no homozygotes.

Submission:

Ambry Genetics
Classification: Uncertain significance. Last evaluated: 2025-04-12. Review status: criteria provided, single submitter. Criteria: Ambry Variant Classification Scheme 2023. Collection method: clinical testing. Allele origin: germline.
Comment: The p.T616A variant (also known as c.1846A>G), located in coding exon 2 of the CDK12 gene, results from an A to G substitution at nucleotide position 1846. The threonine at codon 616 is replaced by alanine, an amino acid with similar properties. This amino acid position is conserved. In addition, this alteration is predicted to be tolerated by in silico analysis. Based on the available evidence, the clinical significance of this variant remains unclear.

NM_016507.4(CDK12):c.1846A>G (p.Thr616Ala)

Gene: CDK12 (cyclin dependent kinase 12; plus strand). Cytogenetic location: 17q12.
Variant type: single nucleotide variant.
Coding change: c.1846A>G on transcript NM_016507.4 (MANE Select); coding-DNA position 1846, A replaced by G.
Protein change: p.Thr616Ala; replaces threonine 616 with alanine.
Molecular consequence: missense variant.
Genome position (GRCh38, 1-based): chr17:39,471,678, A>G. VCF-style: chr17-39471678-A-G. GRCh37 (hg19) VCF-style: chr17-37627931-A-G.
Other names: c.1846A>G, p.Thr616Ala (NM_015083.4); short protein forms T616A.
Identifiers: ClinVar variation 3999350 (VCV003999350.1).